The following is an entry in ClinVar:

NM_001145715.3(KPNA7):c.536C>T (p.Ala179Val)

Gene: KPNA7 (karyopherin subunit alpha 7; minus strand). Cytogenetic location: 7q22.1.
Variant type: single nucleotide variant.
Coding change: c.536C>T on transcript NM_001145715.3 (MANE Select); coding-DNA position 536, C replaced by T.
Protein change: p.Ala179Val; replaces alanine 179 with valine.
Molecular consequence: missense variant.
Genome position (GRCh38, 1-based): chr7:99,195,087, G>A on the plus strand (C>T on the coding strand, the complement: KPNA7 is on the minus strand). VCF-style: chr7-99195087-G-A. GRCh37 (hg19) VCF-style: chr7-98792710-G-A.
Other names: c.536C>T (NM_001145715.2); short protein forms A179V.
Identifiers: ClinVar variation 700148 (VCV000700148.13), dbSNP rs202200015, ClinGen allele CA4363241.

ClinVar aggregate classification (germline): Benign. Review status: criteria provided, single submitter (1 of 4 stars). 2 submissions from 2 submitters: Benign (1). 1 of the submissions does not count toward it. Last evaluated 2025-10-01.

Conditions:
KPNA7-related disorder. Also called: KPNA7-related condition.

Allele frequency attached by ClinVar (database versions not stated): gnomAD 0.00004 and 0.00041; TOPMed 0.00012; gnomAD exomes 0.00063; 1000 Genomes Project 30x 0.00219; 1000 Genomes Project 0.00220; ExAC 0.00319.
gnomAD v4.1: 953 of 1,551,516 alleles (0.061%); highest among the groups gnomAD compares: South Asian, 1%; 9 homozygotes.

Submissions (2):

Labcorp Genetics (formerly Invitae), Labcorp
Classification: Benign. Last evaluated: 2025-10-01. Review status: criteria provided, single submitter. Criteria: Invitae Variant Classification Sherloc (09022015). Collection method: clinical testing. Allele origin: germline.

PreventionGenetics, part of Exact Sciences
Classification: Benign for KPNA7-related condition. Last evaluated: 2020-08-31. Review status: no assertion criteria provided. Collection method: clinical testing. Allele origin: germline. Not counted in ClinVar's aggregate classification.
Comment: This variant is classified as benign based on ACMG/AMP sequence variant interpretation guidelines (Richards et al. 2015 PMID: 25741868, with internal and published modifications).